The following is an entry in ClinVar:

NM_000257.4(MYH7):c.183C>T (p.Ala61=)

Gene: MYH7 (myosin heavy chain 7; minus strand). Cytogenetic location: 14q11.2.
Variant type: single nucleotide variant.
Coding change: c.183C>T on transcript NM_000257.4 (MANE Select); coding-DNA position 183, C replaced by T.
Protein change: p.Ala61=; no amino-acid change (alanine 61 retained).
Molecular consequence: synonymous variant.
Genome position (GRCh38, 1-based): chr14:23,433,550, G>A on the plus strand (C>T on the coding strand, the complement: MYH7 is on the minus strand). VCF-style: chr14-23433550-G-A. GRCh37 (hg19) VCF-style: chr14-23902759-G-A.
Other names: p.Ala61=.
Identifiers: ClinVar variation 414334 (VCV000414334.20), dbSNP rs370743876, ClinGen allele CA16614435.

ClinVar aggregate classification (germline): Likely benign. Review status: criteria provided, multiple submitters, no conflicts (2 of 4 stars). 7 submissions from 7 submitters: Likely benign (7). Last evaluated 2026-05-20.

Conditions:
Cardiovascular phenotype. Identifiers: MedGen CN230736.
Cardiomyopathy (CMYO). Also called: Cardiomyopathies. Identifiers: Orphanet 167848, MedGen C0878544, MONDO:0004994, HP:0001638. Inheritance: Various modes of inheritance.
Hypertrophic cardiomyopathy. Also called: HYPERTROPHIC MYOCARDIOPATHY. Identifiers: Orphanet 217569, MedGen C0007194, MeSH D002312, MONDO:0005045, HP:0001639.

gnomAD v4.1: 6 of 1,614,064 alleles (0.00037%); highest among the groups gnomAD compares: South Asian, 0.0022%; no homozygotes.

Submissions (7):

Ambry Genetics
Classification: Likely benign for Cardiovascular phenotype. Last evaluated: 2026-05-20. Review status: criteria provided, single submitter. Criteria: Ambry Variant Classification Scheme 2023. Collection method: clinical testing. Allele origin: germline.

Mayo Clinic Laboratories, Mayo Clinic
Classification: Likely benign. Last evaluated: 2025-09-11. Review status: criteria provided, single submitter. Criteria: ACMG Guidelines, 2015. Collection method: clinical testing. Allele origin: germline. Observed: 1 variant allele.
Comment: BP4, BP7

Labcorp Genetics (formerly Invitae), Labcorp
Classification: Likely benign for Hypertrophic cardiomyopathy. Last evaluated: 2025-03-09. Review status: criteria provided, single submitter. Criteria: Invitae Variant Classification Sherloc (09022015). Collection method: clinical testing. Allele origin: germline.

All of Us Research Program, National Institutes of Health
Classification: Likely benign for Cardiomyopathy. Last evaluated: 2023-12-13. Review status: criteria provided, single submitter. Criteria: ACMG Guidelines, 2015. Collection method: clinical testing. Allele origin: germline. Inheritance: Autosomal dominant inheritance. Observed: 2 variant alleles, 2 heterozygotes.
Comment: This study involves interpretation of variants in research participants for the purpose of population health screening. Participant phenotype was not available at the time of variant classification. Additional details can be found in publication PMID: 35346344, PMCID: PMC8962531

Blueprint Genetics
Classification: Likely benign. Last evaluated: 2023-07-19. Review status: criteria provided, single submitter. Criteria: ACMG Guidelines, 2015. Collection method: clinical testing. Allele origin: germline.

GeneDx
Classification: Likely benign. Last evaluated: 2019-10-30. Review status: criteria provided, single submitter. Criteria: GeneDx Variant Classification Process June 2021. Collection method: clinical testing. Allele origin: germline. Affected: yes.

Color Diagnostics, LLC DBA Color Health
Classification: Likely benign for Cardiomyopathy. Last evaluated: 2019-09-03. Review status: criteria provided, single submitter. Criteria: ACMG Guidelines, 2015. Collection method: clinical testing. Allele origin: germline.